The following is an entry in ClinVar:

NM_020937.4(FANCM):c.2088C>G (p.Asp696Glu)

Gene: FANCM (FA complementation group M; plus strand). Cytogenetic location: 14q21.2.
Variant type: single nucleotide variant.
Coding change: c.2088C>G on transcript NM_020937.4 (MANE Select); coding-DNA position 2088, C replaced by G.
Protein change: p.Asp696Glu; replaces aspartic acid 696 with glutamic acid.
Molecular consequence: missense variant.
Genome position (GRCh38, 1-based): chr14:45,170,674, C>G. VCF-style: chr14-45170674-C-G. GRCh37 (hg19) VCF-style: chr14-45639877-C-G.
Other names: c.2010C>G, p.Asp670Glu (NM_001308133.2); short protein forms D696E, D670E.
Identifiers: ClinVar variation 3848682 (VCV003848682.1).

ClinVar aggregate classification (germline): Uncertain significance (1 of 4 stars; one submission).

Conditions:
Inborn genetic diseases. Identifiers: MedGen C0950123, MeSH D030342.

Submission:

Ambry Genetics
Classification: Uncertain significance for Inborn genetic diseases. Last evaluated: 2025-02-02. Review status: criteria provided, single submitter. Criteria: Ambry Variant Classification Scheme 2023. Collection method: clinical testing. Allele origin: germline.
Comment: The p.D696E variant (also known as c.2088C>G), located in coding exon 12 of the FANCM gene, results from a C to G substitution at nucleotide position 2088. The aspartic acid at codon 696 is replaced by glutamic acid, an amino acid with highly similar properties. This amino acid position is conserved. In addition, this alteration is predicted to be tolerated by in silico analysis. Based on the available evidence, the clinical significance of this variant remains unclear.